The following is an entry in ClinVar:

NM_005529.7(HSPG2):c.7826G>A (p.Arg2609Gln)

Gene: HSPG2 (heparan sulfate proteoglycan 2; minus strand). Cytogenetic location: 1p36.12.
Variant type: single nucleotide variant.
Coding change: c.7826G>A on transcript NM_005529.7 (MANE Select); coding-DNA position 7826, G replaced by A.
Protein change: p.Arg2609Gln; replaces arginine 2609 with glutamine.
Molecular consequence: missense variant.
Genome position (GRCh38, 1-based): chr1:21,848,005, C>T on the plus strand (G>A on the coding strand, the complement: HSPG2 is on the minus strand). VCF-style: chr1-21848005-C-T. GRCh37 (hg19) VCF-style: chr1-22174498-C-T.
Other names: c.7829G>A, p.Arg2610Gln (NM_001291860.2); short protein forms R2609Q, R2610Q.
Identifiers: ClinVar variation 284844 (VCV000284844.27), dbSNP rs147286334, ClinGen allele CA671046.
Genomic context (GRCh38, chr1:21,848,005, plus strand): 5'-TCTCTGCTCTCACCGTGGGAGGAACCGCTGCCCTGGATGGTGACGATGAGCGAGGTCTCC[C>T]GGGAGCCTGCACCGTTACTGACGTGACACACGTACTCGCCCGAGTCTGCCGGAGTCACCT-3'
Protein context (NP_005520.4, residues 2599-2619): VCHVSNGAGS[Arg2609Gln]ETSLIVTIQG

ClinVar aggregate classification (germline): Conflicting classifications of pathogenicity. Review status: criteria provided, conflicting classifications (1 of 4 stars). 9 submissions from 8 submitters: Uncertain significance (3); Benign (2); Likely benign (3). 1 of the submissions does not count toward it. Last evaluated 2026-05-20.

Conditions:
HSPG2-related disorder. Also called: HSPG2-related condition; HSPG2-related disorders.
Inborn genetic diseases. Identifiers: MedGen C0950123, MeSH D030342.
Lethal Kniest-like syndrome (DDSH). Also called: Dyssegmental Dysplasia. Identifiers: Orphanet 1865, MedGen C1857100, MONDO:0009140, OMIM 224410.
Schwartz-Jampel syndrome. Also called: Myotonic myopathy dwarfism chondrodystrophy and ocular and facial abnormalities. Identifiers: Orphanet 800, MedGen C0036391, MONDO:0009717.

Allele frequency attached by ClinVar (database versions not stated): 1000 Genomes Project 30x 0.00016; 1000 Genomes Project 0.00020; gnomAD exomes 0.00020 and 0.00036; ExAC 0.00029; ESP Exome Variant Server 0.00031; gnomAD 0.00038 and 0.00039; TOPMed 0.00053.
gnomAD v4.1: 373 of 1,613,370 alleles (0.023%); highest among the groups gnomAD compares: African/African-American, 0.11%; 3 homozygotes.

Submissions (9):

Women's Health and Genetics/Laboratory Corporation of America, LabCorp
Classification: Likely benign. Last evaluated: 2026-05-20. Review status: criteria provided, single submitter. Criteria: LabCorp Variant Classification Summary - May 2015. Collection method: clinical testing. Allele origin: germline.
Comment: Variant summary: HSPG2 c.7826G>A (p.Arg2609Gln) results in a conservative amino acid change in the encoded protein sequence. Algorithms developed to predict the effect of missense changes on protein structure and function all suggest that this variant is likely to be tolerated. The variant allele was found at a frequency of 0.00036 in 250890 control chromosomes, predominantly at a frequency of 0.0041 within the Ashkenazi Jewish subpopulation in the gnomAD database, including 1 homozygotes. The observed variant frequency within Ashkenazi Jewish control individuals in the gnomAD database exceeds the estimated maximal expected allele frequency for disease-causing variants in HSPG2. To our knowledge, no occurrence of c.7826G>A in individuals affected with HSPG2-related conditions and no experimental evidence demonstrating its impact on protein function have been reported. ClinVar contains an entry for this variant (Variation ID: 284844). Based on the evidence outlined above, the variant was classified as likely benign.

Labcorp Genetics (formerly Invitae), Labcorp
Classification: Likely benign. Last evaluated: 2025-12-18. Review status: criteria provided, single submitter. Criteria: Invitae Variant Classification Sherloc (09022015). Collection method: clinical testing. Allele origin: germline.

Blueprint Genetics
Classification: Likely benign. Last evaluated: 2024-11-14. Review status: criteria provided, single submitter. Criteria: ACMG Guidelines, 2015. Collection method: clinical testing. Allele origin: germline.

Athena Diagnostics
Classification: Benign. Last evaluated: 2024-10-08. Review status: criteria provided, single submitter. Criteria: Athena Diagnostics Criteria. Collection method: clinical testing. Allele origin: unknown.

Ambry Genetics
Classification: Benign for Inborn genetic diseases. Last evaluated: 2022-03-10. Review status: criteria provided, single submitter. Criteria: Ambry Variant Classification Scheme 2023. Collection method: clinical testing. Allele origin: germline.

Illumina Laboratory Services, Illumina
Classification: Uncertain significance for Schwartz-Jampel syndrome type 1. Last evaluated: 2018-01-13. Review status: criteria provided, single submitter. Criteria: ICSL Variant Classification Criteria 13 December 2019. Collection method: clinical testing. Allele origin: germline.

Illumina Laboratory Services, Illumina
Classification: Uncertain significance for Lethal Kniest-like syndrome. Last evaluated: 2018-01-13. Review status: criteria provided, single submitter. Criteria: ICSL Variant Classification Criteria 13 December 2019. Collection method: clinical testing. Allele origin: germline.

Eurofins Ntd Llc (ga)
Classification: Uncertain significance. Last evaluated: 2016-06-28. Review status: criteria provided, single submitter. Criteria: EGL Classification Definitions 2015. Collection method: clinical testing. Allele origin: germline. Observed: 3 variant alleles, 3 heterozygotes.

PreventionGenetics, part of Exact Sciences
Classification: Likely benign for HSPG2-related condition. Last evaluated: 2022-12-28. Review status: no assertion criteria provided. Collection method: clinical testing. Allele origin: germline. Not counted in ClinVar's aggregate classification.
Comment: This variant is classified as likely benign based on ACMG/AMP sequence variant interpretation guidelines (Richards et al. 2015 PMID: 25741868, with internal and published modifications).

Literature cited by the submitters: PubMed 29476074 (cited by Athena Diagnostics).